The following is an entry in ClinVar:

NM_019032.6(ADAMTSL4):c.2704G>A (p.Ala902Thr)

Gene: ADAMTSL4 (ADAMTS like 4; plus strand). Cytogenetic location: 1q21.2.
Variant type: single nucleotide variant.
Coding change: c.2704G>A on transcript NM_019032.6 (MANE Select); coding-DNA position 2704, G replaced by A.
Protein change: p.Ala902Thr; replaces alanine 902 with threonine.
Molecular consequence: missense variant.
Genome position (GRCh38, 1-based): chr1:150,559,106, G>A. VCF-style: chr1-150559106-G-A. GRCh37 (hg19) VCF-style: chr1-150531582-G-A.
Other names: c.2587G>A, p.Ala863Thr (NM_001288607.2); c.2773G>A, p.Ala925Thr (NM_001288608.2); c.2704G>A, p.Ala902Thr (NM_001378596.1); c.2704G>A (NM_019032.5); short protein forms A863T, A902T, A925T.
Identifiers: ClinVar variation 874460 (VCV000874460.15), dbSNP rs376803411, ClinGen allele CA1078810.

ClinVar aggregate classification (germline): Conflicting classifications of pathogenicity. Review status: criteria provided, conflicting classifications (1 of 4 stars). 7 submissions from 6 submitters: Uncertain significance (1); Benign (1); Likely benign (5). Last evaluated 2026-06-22.

Conditions:
ADAMTSL4-related disorder. Also called: ADAMTSL4-related condition; ADAMTSL4-Related Disorders.
Ectopia lentis et pupillae. Also called: ECTOPIA LENTIS WITH ECTOPIA OF PUPIL. Identifiers: Orphanet 1885, MedGen C1644196, MONDO:0009153, OMIM 225200.
Inborn genetic diseases. Identifiers: MedGen C0950123, MeSH D030342.
Ectopia lentis 2, isolated, autosomal recessive (ECTOL2). Identifiers: Orphanet 1885, MedGen C3541474, MONDO:0009152, OMIM 225100.

Allele frequency attached by ClinVar (database versions not stated): TOPMed 0.00009; ESP Exome Variant Server 0.00015; 1000 Genomes Project 0.00080; 1000 Genomes Project 30x 0.00125.
gnomAD v4.1: 515 of 1,612,872 alleles (0.032%); highest among the groups gnomAD compares: South Asian, 0.45%; 9 homozygotes.

Submissions (7):

PreventionGenetics, part of Exact Sciences
Classification: Likely benign for ADAMTSL4-related condition. Last evaluated: 2026-06-22. Review status: criteria provided, single submitter. Criteria: ACMG Guidelines, 2015. Collection method: clinical testing. Allele origin: germline.
Comment: This variant is classified as likely benign based on ACMG/AMP sequence variant interpretation guidelines (Richards et al. 2015 PMID: 25741868, with internal and published modifications).

Labcorp Genetics (formerly Invitae), Labcorp
Classification: Benign. Last evaluated: 2026-01-06. Review status: criteria provided, single submitter. Criteria: Invitae Variant Classification Sherloc (09022015). Collection method: clinical testing. Allele origin: germline.

Blueprint Genetics
Classification: Likely benign. Last evaluated: 2024-11-07. Review status: criteria provided, single submitter. Criteria: ACMG Guidelines, 2015. Collection method: clinical testing. Allele origin: germline.

Ambry Genetics
Classification: Uncertain significance for Inborn genetic diseases. Last evaluated: 2024-07-05. Review status: criteria provided, single submitter. Criteria: Ambry Variant Classification Scheme 2023. Collection method: clinical testing. Allele origin: germline.

Genome-Nilou Lab
Classification: Likely benign for Ectopia lentis et pupillae. Last evaluated: 2023-04-11. Review status: criteria provided, single submitter. Criteria: ACMG Guidelines, 2015. Collection method: clinical testing. Allele origin: germline. Affected: no.

Genome-Nilou Lab
Classification: Likely benign for Ectopia lentis 2, isolated, autosomal recessive. Last evaluated: 2023-04-11. Review status: criteria provided, single submitter. Criteria: ACMG Guidelines, 2015. Collection method: clinical testing. Allele origin: germline. Affected: no.

Illumina Laboratory Services, Illumina
Classification: Likely benign for Ectopia lentis 2, isolated, autosomal recessive. Last evaluated: 2018-01-12. Review status: criteria provided, single submitter. Criteria: ICSL Variant Classification Criteria 13 December 2019. Collection method: clinical testing. Allele origin: germline.
Comment: This variant was observed in the ICSL laboratory as part of a predisposition screen in an ostensibly healthy population. It had not been previously curated by ICSL or reported in the Human Gene Mutation Database (HGMD: prior to June 1st, 2018), and was therefore a candidate for classification through an automated scoring system. Utilizing variant allele frequency, disease prevalence and penetrance estimates, and inheritance mode, an automated score was calculated to assess if this variant is too frequent to cause the disease. Based on the score and internal cut-off values, a variant classified as likely benign is not then subjected to further curation. The score for this variant resulted in a classification of likely benign for this disease.